The following is an entry in ClinVar:

NM_001385012.1(NBEA):c.2318T>G (p.Leu773Arg)

Gene: NBEA (neurobeachin; plus strand). Cytogenetic location: 13q13.3.
Variant type: single nucleotide variant.
Coding change: c.2318T>G on transcript NM_001385012.1 (MANE Select); coding-DNA position 2318, T replaced by G.
Protein change: p.Leu773Arg; replaces leucine 773 with arginine.
Molecular consequence: missense variant.
Genome position (GRCh38, 1-based): chr13:35,123,556, T>G. VCF-style: chr13-35123556-T-G. GRCh37 (hg19) VCF-style: chr13-35697693-T-G.
Other names: c.2318T>G, p.Leu773Arg (NM_001379245.1, NM_015678.5); short protein forms L773R.
Identifiers: ClinVar variation 3361761 (VCV003361761.1).

ClinVar aggregate classification (germline): Uncertain significance (1 of 4 stars; one submission).

Submission:

GeneDx
Classification: Uncertain significance. Last evaluated: 2023-08-01. Review status: criteria provided, single submitter. Criteria: GeneDx Variant Classification Process June 2021. Collection method: clinical testing. Allele origin: germline. Affected: yes.
Comment: Not observed at significant frequency in large population cohorts (gnomAD); In silico analysis supports that this missense variant has a deleterious effect on protein structure/function; Has not been previously published as pathogenic or benign to our knowledge